The following is an entry in ClinVar:

NM_000535.7(PMS2):c.538-1G>C

Gene: PMS2 (PMS1 homolog 2, mismatch repair system component; minus strand). Cytogenetic location: 7p22.1.
Variant type: single nucleotide variant.
Coding change: c.538-1G>C on transcript NM_000535.7 (MANE Select); the canonical splice acceptor site of the intron before coding-DNA position 538, G replaced by C.
Molecular consequence: splice acceptor variant. On other transcripts: intron variant (9).
Genome position (GRCh38, 1-based): chr7:5,999,276, C>G on the plus strand (G>C on the coding strand, the complement: PMS2 is on the minus strand). VCF-style: chr7-5999276-C-G. GRCh37 (hg19) VCF-style: chr7-6038907-C-G.
Other names: c.220-1G>C (NM_001322008.2, NM_001406902.1, NM_001406883.1 and 4 more transcripts); c.229-1G>C (NM_001406881.1, NM_001406879.1, NM_001322015.2 and 6 more transcripts); c.133-1G>C (NM_001406895.1, NM_001322010.2, NM_001322004.2 and 21 more transcripts); c.132+3177G>C (NM_001406911.1); c.133-1853G>C (NM_001322013.2, NM_001406909.1); c.-347-50G>C (NM_001322012.2, NM_001322011.2); c.251-50G>C (NM_001406885.1); c.537+3177G>C (NM_001406886.1); and 4 more.
Identifiers: ClinVar variation 434027 (VCV000434027.24), dbSNP rs988423880, ClinGen allele CA153242095.

ClinVar aggregate classification (germline): Pathogenic/Likely pathogenic. Review status: criteria provided, multiple submitters, no conflicts (2 of 4 stars). 9 submissions from 9 submitters: Pathogenic (4); Likely pathogenic (4). 1 of the submissions does not count toward it. Last evaluated 2025-12-16.

Conditions:
Hereditary cancer-predisposing syndrome. Also called: Hereditary Cancer Syndrome; Hereditary neoplastic syndrome; Neoplastic Syndromes, Hereditary; Tumor predisposition. Identifiers: Orphanet 140162, MedGen C0027672, MeSH D009386, MONDO:0015356.
Lynch syndrome. Identifiers: Orphanet 144, MedGen C4552100, MONDO:0005835. Disease mechanism: loss of function.
Mismatch repair cancer syndrome 4. Identifiers: MedGen C5436817, MONDO:0030843, OMIM 619101.
Hereditary nonpolyposis colorectal neoplasms. Identifiers: MedGen C0009405, MeSH D003123.
Endometrial carcinoma. Also called: Endometrial carcinoma, somatic. Identifiers: MedGen C0476089, MONDO:0002447, OMIM 608089, HP:0012114.
Lynch syndrome 4 (LYNCH4). Also called: Colorectal cancer, hereditary nonpolyposis, type 4; Hereditary non-polyposis colorectal cancer, type 4. Identifiers: Orphanet 144, MedGen C1838333, MONDO:0013699, OMIM 614337. Disease mechanism: loss of function.

Allele frequency attached by ClinVar (database versions not stated): TOPMed below 0.00001; gnomAD 0.00001.
gnomAD v4.1: 1 of 1,613,104 alleles (0.000062%); highest among the groups gnomAD compares: African/African-American, 0.0013%; no homozygotes.

Submissions (9):

GeneDx
Classification: Likely pathogenic. Last evaluated: 2025-12-16. Review status: criteria provided, single submitter. Criteria: GeneDx Variant Classification Process June 2021. Collection method: clinical testing. Allele origin: germline. Affected: yes.
Comment: Canonical splice site variant predicted to result in an in-frame loss of the adjacent exon in a gene for which loss of function is a known mechanism of disease; Not observed at significant frequency in large population cohorts (gnomAD); This variant is associated with the following publications: (PMID: 28873162, 35585047, 24440087, 34308366)

Labcorp Genetics (formerly Invitae), Labcorp
Classification: Pathogenic for Hereditary nonpolyposis colorectal neoplasms. Last evaluated: 2025-07-23. Review status: criteria provided, single submitter. Criteria: Invitae Variant Classification Sherloc (09022015). Collection method: clinical testing. Allele origin: germline.
Comment: This sequence change affects an acceptor splice site in intron 5 of the PMS2 gene. It is expected to disrupt RNA splicing. Variants that disrupt the donor or acceptor splice site typically lead to a loss of protein function (PMID: 16199547), and loss-of-function variants in PMS2 are known to be pathogenic (PMID: 21376568, 24362816). This variant is not present in population databases (gnomAD no frequency). Disruption of this splice site has been observed in individual(s) with constitutional mismatch repair deficiency syndrome (PMID: 24440087). In at least one individual the data is consistent with being in trans (on the opposite chromosome) from a pathogenic variant. ClinVar contains an entry for this variant (Variation ID: 434027). Algorithms developed to predict the effect of sequence changes on RNA splicing suggest that this variant may disrupt the consensus splice site. For these reasons, this variant has been classified as Pathogenic.

Ambry Genetics
Classification: Pathogenic for Hereditary cancer-predisposing syndrome. Last evaluated: 2025-07-22. Review status: criteria provided, single submitter. Criteria: Ambry Variant Classification Scheme 2023. Collection method: clinical testing. Allele origin: germline.
Comment: The c.538-1G>C intronic pathogenic mutation results from a G to C substitution one nucleotide upstream from coding exon 6 of the PMS2 gene. This mutation has been reported in a child with constitutional mismatch repair deficiency (CMMRD) syndrome in conjunction with a PMS2 gross deletion (Bakry D et al. Eur J Cancer, 2014 Mar;50:987-96). IHC staining of a GI polyp and normal tissue showed isolated loss of PMS2. Alterations that disrupt the canonical splice site are expected to result in aberrant splicing. In silico splice site analysis predicts that this alteration will weaken the native splice acceptor site; however, direct evidence is insufficient at this time (Ambry internal data). The resulting transcript is predicted to be in-frame and is not expected to trigger nonsense-mediated mRNAdecay; however, direct evidence is unavailable. The exact functional effect of the altered amino acid sequence is unknown; however, the impacted region is critical for protein function (Ambry internal data). This variant is considered to be rare based on population cohorts in the Genome Aggregation Database (gnomAD). Based on the supporting evidence, this alteration is interpreted as a disease-causing mutation.

All of Us Research Program, National Institutes of Health
Classification: Likely pathogenic for Lynch syndrome. Last evaluated: 2024-06-09. Review status: criteria provided, single submitter. Criteria: ACMG Guidelines, 2015. Collection method: clinical testing. Allele origin: germline. Inheritance: Autosomal dominant inheritance. Observed: 1 variant allele, 1 heterozygote.
Comment: This variant causes a G>C nucleotide substitution at the -1 position of intron 5 of the PMS2 gene. Splice site prediction tools suggest that this variant may have a significant impact on RNA splicing. Although this prediction has not been confirmed in published RNA studies, this variant is expected to abolish the acceptor site at exon 6 and result in in-frame exon skipping and a disrupted protein product. This variant has been reported in trans with a PMS2 deletion of exons 6-8 in an individual affected with constitutional mismatch repair disorder (PMID: 24440087). This variant has not been identified in the general population by the Genome Aggregation Database (gnomAD). Different variants affecting the same splice donor site, c.538-1G>A, c.538-2A>T, c.538-2A>C, and c.538-2A>G, are described to be disease-causing (ClinVar variation ID: 948334, 2573263, 926801, 411028). Loss of PMS2 function is a known mechanism of disease. Based on the available evidence, this variant is classified as Likely Pathogenic.

This study involves interpretation of variants in research participants for the purpose of population health screening. Participant phenotype was not available at the time of variant classification. Additional details can be found in publication PMID: 35346344, PMCID: PMC8962531

Color Diagnostics, LLC DBA Color Health
Classification: Likely pathogenic for Hereditary cancer-predisposing syndrome. Last evaluated: 2024-03-28. Review status: criteria provided, single submitter. Criteria: ACMG Guidelines, 2015. Collection method: clinical testing. Allele origin: germline.
Comment: This variant causes a G>C nucleotide substitution at the -1 position of intron 5 of the PMS2 gene. Splice site prediction tools suggest that this variant may have a significant impact on RNA splicing. Although this prediction has not been confirmed in published RNA studies, this variant is expected to abolish the acceptor site at exon 6 and result in in-frame exon skipping and a disrupted protein product. This variant has been reported in trans with a PMS2 deletion of exons 6-8 in an individual affected with constitutional mismatch repair disorder (PMID: 24440087). This variant has not been identified in the general population by the Genome Aggregation Database (gnomAD). Different variants affecting the same splice donor site, c.538-1G>A, c.538-2A>T, c.538-2A>C, and c.538-2A>G, are described to be disease-causing (ClinVar variation ID: 948334, 2573263, 926801, 411028). Loss of PMS2 function is a known mechanism of disease. Based on the available evidence, this variant is classified as Likely Pathogenic.

Myriad Genetics, Inc.
Classification: Likely pathogenic for Lynch syndrome 4. Last evaluated: 2023-09-19. Review status: criteria provided, single submitter. Criteria: Myriad Autosomal Dominant, Autosomal Recessive and X-Linked Classification Criteria (2023). Collection method: clinical testing. Allele origin: unknown.
Comment: This variant is considered likely pathogenic. This variant occurs within a consensus splice junction and is predicted to result in abnormal mRNA splicing of either an out-of-frame exon or an in-frame exon necessary for protein stability and/or normal function.

Baylor Genetics
Classification: Pathogenic for Lynch syndrome 4. Last evaluated: 2022-08-04. Review status: criteria provided, single submitter. Criteria: ACMG Guidelines, 2015. Collection method: clinical testing. Allele origin: unknown.

Department of Pediatrics, Memorial Sloan Kettering Cancer Center
Classification: Pathogenic for Mismatch repair cancer syndrome 4. Last evaluated: 2020-12-15. Review status: criteria provided, single submitter. Criteria: ACMG Guidelines, 2015. Collection method: research. Allele origin: germline. Affected: no.

Department of Pathology and Laboratory Medicine, Sinai Health System
Classification: Pathogenic for Endometrial carcinoma. Review status: no assertion criteria provided. Collection method: clinical testing. Allele origin: unknown. Affected: yes. Study: The Canadian Open Genetics Repository (COGR). Not counted in ClinVar's aggregate classification.
Comment: The c.538-1G>C variant was identified in the literature in 1 of 36 chromosomes from individuals with features of bi-allelic mismatch repair syndrome (Bakry_2014_24440087). The phenotypes included: T-cell lymphoblastic lymphoma, GI polyposis, and CafâˆšÂ©-au-lait macules. The variant was identified as co-occuring with the c.538-?_903+?del(exon 6-8 del), variant, classified as pathogenic, in a non-consanguineous family, and consistent with recessive inheritance as observed in biallelic mismatch repair syndrome. The c.538-1G>C variant is predicted to cause abnormal splicing because the nucleotide substitution occurs in the invariant region of the splice consensus sequence. 5 out of 5 splicing programs (SpliceSiteFinder, MaxEntScan, NNSPLICE, GeneSplicer, HumanSpliceFinder) predict altered splicing of this variant increasing the likelihood this variant is pathogenic. In summary, based on the above information, this variant is classified as pathogenic.

Literature cited by the submitters: PubMed 16199547 (cited by Labcorp Genetics (formerly Invitae), Labcorp); PubMed 21376568 (cited by Labcorp Genetics (formerly Invitae), Labcorp); PubMed 24362816 (cited by Labcorp Genetics (formerly Invitae), Labcorp); PubMed 24440087 (cited by 4 submitters); PubMed 28873162 (cited by Department of Pediatrics, Memorial Sloan Kettering Cancer Center).